The following is an entry in ClinVar:

ClinVar aggregate classification (germline): Uncertain significance (1 of 4 stars; one submission).

gnomAD v4.1: 18 of 1,613,898 alleles (0.0011%); highest among the groups gnomAD compares: South Asian, 0.02%; no homozygotes.

Submission:

Labcorp Genetics (formerly Invitae), Labcorp
Classification: Uncertain significance. Last evaluated: 2021-07-30. Review status: criteria provided, single submitter. Criteria: Invitae Variant Classification Sherloc (09022015). Collection method: clinical testing. Allele origin: germline.
Comment: In summary, the available evidence is currently insufficient to determine the role of this variant in disease. Therefore, it has been classified as a Variant of Uncertain Significance. Algorithms developed to predict the effect of missense changes on protein structure and function are either unavailable or do not agree on the potential impact of this missense change (SIFT: "Deleterious"; PolyPhen-2: "Benign"; Align-GVGD: "Class C15"). This variant has not been reported in the literature in individuals affected with MRPS7-related conditions. This variant is present in population databases (rs762459794, ExAC 0.02%). This sequence change replaces aspartic acid with tyrosine at codon 176 of the MRPS7 protein (p.Asp176Tyr). The aspartic acid residue is moderately conserved and there is a large physicochemical difference between aspartic acid and tyrosine.

NM_015971.4(MRPS7):c.526G>T (p.Asp176Tyr)

Gene: MRPS7 (mitochondrial ribosomal protein S7; plus strand). Cytogenetic location: 17q25.1.
Variant type: single nucleotide variant.
Coding change: c.526G>T on transcript NM_015971.4 (MANE Select); coding-DNA position 526, G replaced by T.
Protein change: p.Asp176Tyr; replaces aspartic acid 176 with tyrosine.
Molecular consequence: missense variant.
Genome position (GRCh38, 1-based): chr17:75,265,720, G>T. VCF-style: chr17-75265720-G-T. GRCh37 (hg19) VCF-style: chr17-73261801-G-T.
Other names: short protein forms D176Y.
Identifiers: ClinVar variation 1354344 (VCV001354344.6), dbSNP rs762459794, ClinGen allele CA8760434.